The following is an entry in ClinVar:

ClinVar aggregate classification (germline): Uncertain significance (1 of 4 stars; one submission).

Allele frequency attached by ClinVar (database versions not stated): TOPMed below 0.00001.
gnomAD v4.1: 2 of 1,613,468 alleles (0.00012%); highest among the groups gnomAD compares: Non-Finnish European, 0.00017%; no homozygotes.

Submission:

Labcorp Genetics (formerly Invitae), Labcorp
Classification: Uncertain significance. Last evaluated: 2022-11-10. Review status: criteria provided, single submitter. Criteria: Invitae Variant Classification Sherloc (09022015). Collection method: clinical testing. Allele origin: germline.
Comment: This sequence change falls in intron 21 of the CDAN1 gene. It does not directly change the encoded amino acid sequence of the CDAN1 protein. It affects a nucleotide within the consensus splice site. This variant is not present in population databases (gnomAD no frequency). This variant has not been reported in the literature in individuals affected with CDAN1-related conditions. Variants that disrupt the consensus splice site are a relatively common cause of aberrant splicing (PMID: 17576681, 9536098). Algorithms developed to predict the effect of sequence changes on RNA splicing suggest that this variant may disrupt the consensus splice site. In summary, the available evidence is currently insufficient to determine the role of this variant in disease. Therefore, it has been classified as a Variant of Uncertain Significance.

Literature cited by the submitters: PubMed 17576681; PubMed 9536098.

NM_138477.4(CDAN1):c.2868+5G>A

Gene: CDAN1 (codanin 1; minus strand). Cytogenetic location: 15q15.2.
Variant type: single nucleotide variant.
Coding change: c.2868+5G>A on transcript NM_138477.4 (MANE Select); 5 bases into the intron after coding-DNA position 2868, G replaced by A.
Molecular consequence: intron variant.
Genome position (GRCh38, 1-based): chr15:42,728,199, C>T on the plus strand (G>A on the coding strand, the complement: CDAN1 is on the minus strand). VCF-style: chr15-42728199-C-T. GRCh37 (hg19) VCF-style: chr15-43020397-C-T.
Identifiers: ClinVar variation 2189959 (VCV002189959.4), dbSNP rs1353450956, ClinGen allele CA712944053.